The following is an entry in ClinVar:

NM_030773.4(TUBB1):c.671A>T (p.Asp224Val)

Gene: TUBB1 (tubulin beta 1 class VI; plus strand). Cytogenetic location: 20q13.32.
Variant type: single nucleotide variant.
Coding change: c.671A>T on transcript NM_030773.4 (MANE Select); coding-DNA position 671, A replaced by T.
Protein change: p.Asp224Val; replaces aspartic acid 224 with valine.
Molecular consequence: missense variant.
Genome position (GRCh38, 1-based): chr20:59,024,098, A>T. VCF-style: chr20-59024098-A-T. GRCh37 (hg19) VCF-style: chr20-57599153-A-T.
Other names: short protein forms D224V.
Identifiers: ClinVar variation 2572105 (VCV002572105.1), dbSNP rs2515917199, ClinGen allele CA409467415.

ClinVar aggregate classification (germline): Uncertain significance (1 of 4 stars; one submission).

Conditions:
Macrothrombocytopenia, isolated, 1, autosomal dominant (MACTHC1). Also called: Autosomal dominant macrothrombocytopenia TUBB1-related. Identifiers: Orphanet 140957, MedGen C5676892, MONDO:0800047, OMIM 613112.

Submission:

ISTH-SSC Genomics in Thrombosis and Hemostasis, KU Leuven, Center for Molecular and Vascular Biology
Classification: Uncertain significance for Macrothrombocytopenia, isolated, 1, autosomal dominant. Review status: criteria provided, single submitter. Criteria: ACMG Guidelines, 2015. Collection method: clinical testing. Allele origin: germline. Affected: yes. Observed: 1 compound heterozygote.
Comment: Submitted to the GoldVariant database by Kathleen Freson, Center for Molecular and Vascular Biology